The following is an entry in ClinVar:

NM_000051.4(ATM):c.8786+11T>C

Genes: ATM (ATM serine/threonine kinase; plus strand), C11orf65 (chromosome 11 open reading frame 65; minus strand). Cytogenetic location: 11q22.3.
Variant type: single nucleotide variant.
Coding change: c.8786+11T>C on transcript NM_000051.4 (MANE Select); 11 bases into the intron after coding-DNA position 8786, T replaced by C.
Molecular consequence: intron variant.
Genome position (GRCh38, 1-based): chr11:108,353,891, T>C. VCF-style: chr11-108353891-T-C. GRCh37 (hg19) VCF-style: chr11-108224618-T-C.
Other names: c.8786+11T>C (NM_001351834.2); c.640+32029A>G (NM_001330368.2); c.695-18599A>G (NM_001351110.2).
Identifiers: ClinVar variation 516621 (VCV000516621.11), dbSNP rs368627124, ClinGen allele CA6266439.

ClinVar aggregate classification (germline): Likely benign. Review status: criteria provided, multiple submitters, no conflicts (2 of 4 stars). 3 submissions from 3 submitters: Likely benign (3). Last evaluated 2026-01-10.

Conditions:
Hereditary cancer-predisposing syndrome. Also called: Hereditary Cancer Syndrome; Neoplastic Syndromes, Hereditary; Tumor predisposition; Hereditary neoplastic syndrome. Identifiers: Orphanet 140162, MedGen C0027672, MeSH D009386, MONDO:0015356.
Ataxia-telangiectasia syndrome (AT). Also called: Cerebello-oculocutaneous telangiectasia; Immunodeficiency with ataxia telangiectasia; Ataxia-telangiectasia, complementation group E; Ataxia-telangiectasia, complementation group D; AT, COMPLEMENTATION GROUP C; ATAXIA-TELANGIECTASIA, COMPLEMENTATION GROUP A. Identifiers: Orphanet 100, MedGen C0004135, MONDO:0008840, OMIM 208900.

Allele frequency attached by ClinVar (database versions not stated): gnomAD exomes below 0.00001; gnomAD 0.00002; ESP Exome Variant Server 0.00015; TOPMed 0.00002.
gnomAD v4.1: 8 of 1,602,268 alleles (0.0005%); highest among the groups gnomAD compares: African/African-American, 0.0027%; no homozygotes.

Submissions (3):

Labcorp Genetics (formerly Invitae), Labcorp
Classification: Likely benign for Ataxia-telangiectasia syndrome. Last evaluated: 2026-01-10. Review status: criteria provided, single submitter. Criteria: Invitae Variant Classification Sherloc (09022015). Collection method: clinical testing. Allele origin: germline.

Color Diagnostics, LLC DBA Color Health
Classification: Likely benign for Hereditary cancer-predisposing syndrome. Last evaluated: 2019-05-06. Review status: criteria provided, single submitter. Criteria: ACMG Guidelines, 2015. Collection method: clinical testing. Allele origin: germline.

GeneDx
Classification: Likely benign. Last evaluated: 2017-12-08. Review status: criteria provided, single submitter. Criteria: GeneDx Variant Classification (06012015). Collection method: clinical testing. Allele origin: germline. Affected: yes.
Comment: This variant is considered likely benign or benign based on one or more of the following criteria: it is a conservative change, it occurs at a poorly conserved position in the protein, it is predicted to be benign by multiple in silico algorithms, and/or has population frequency not consistent with disease.